The following is an entry in ClinVar:

ClinVar aggregate classification (germline): Likely benign (1 of 4 stars; one submission).

Allele frequency attached by ClinVar (database versions not stated): gnomAD 0.00001; 1000 Genomes Project 0.00020.

Submission:

CeGaT Center for Human Genetics Tuebingen
Classification: Likely benign. Last evaluated: 2024-11-01. Review status: criteria provided, single submitter. Criteria: CeGaT Center For Human Genetics Tuebingen Variant Classification Criteria Version 2. Collection method: clinical testing. Allele origin: germline. Affected: yes. Observed: 1 variant allele.
Comment: MAGEL2: BP4, BP7

NM_019066.5(MAGEL2):c.459C>T (p.Pro153=)

Gene: MAGEL2 (MAGE family member L2; minus strand). Cytogenetic location: 15q11.2.
Variant type: single nucleotide variant.
Coding change: c.459C>T on transcript NM_019066.5 (MANE Select); coding-DNA position 459, C replaced by T.
Protein change: p.Pro153=; no amino-acid change (proline 153 retained).
Molecular consequence: synonymous variant.
Genome position (GRCh38, 1-based): chr15:23,647,284, G>A on the plus strand (C>T on the coding strand, the complement: MAGEL2 is on the minus strand). VCF-style: chr15-23647284-G-A. GRCh37 (hg19) VCF-style: chr15-23892431-G-A.
Identifiers: ClinVar variation 2645002 (VCV002645002.24), dbSNP rs559833820, ClinGen allele CA267661546.
Genomic context (GRCh38, chr15:23,647,284, plus strand): 5'-AGGAGGATGGGCCATCGGGGTCCCCGGAGGAGGAGGATGGGCCATTGGGGTCCCCGGAGG[G>A]GGAGGGTGGGACATTGGGGTCCCCGGAGGAGGAGGATGGGCCATGGGAGCTCCGGGAGCT-3'
Protein context (NP_061939.3, residues 143-163): PPPGTPMSHP[Pro153=]PPGTPMAHPP